The following is an entry in ClinVar:

ClinVar aggregate classification (germline): Uncertain significance. Review status: criteria provided, multiple submitters, no conflicts (2 of 4 stars). 2 submissions from 2 submitters: Uncertain significance (2). Last evaluated 2024-09-18.

Conditions:
Hereditary cancer-predisposing syndrome. Also called: Neoplastic Syndromes, Hereditary; Tumor predisposition; Hereditary neoplastic syndrome; Hereditary Cancer Syndrome. Identifiers: Orphanet 140162, MedGen C0027672, MeSH D009386, MONDO:0015356.
Cardiovascular phenotype. Identifiers: MedGen CN230736.

Submissions (2):

Labcorp Genetics (formerly Invitae), Labcorp
Classification: Uncertain significance. Last evaluated: 2024-09-18. Review status: criteria provided, single submitter. Criteria: Invitae Variant Classification Sherloc (09022015). Collection method: clinical testing. Allele origin: germline.
Comment: This sequence change replaces isoleucine, which is neutral and non-polar, with threonine, which is neutral and polar, at codon 140 of the LZTR1 protein (p.Ile140Thr). This variant is not present in population databases (gnomAD no frequency). This variant has not been reported in the literature in individuals affected with LZTR1-related conditions. Invitae Evidence Modeling of protein sequence and biophysical properties (such as structural, functional, and spatial information, amino acid conservation, physicochemical variation, residue mobility, and thermodynamic stability) indicates that this missense variant is not expected to disrupt LZTR1 protein function with a negative predictive value of 80%. In summary, the available evidence is currently insufficient to determine the role of this variant in disease. Therefore, it has been classified as a Variant of Uncertain Significance.

Ambry Genetics
Classification: Uncertain significance for Cardiovascular phenotype; Hereditary cancer-predisposing syndrome. Last evaluated: 2023-05-15. Review status: criteria provided, single submitter. Criteria: Ambry Variant Classification Scheme 2023. Collection method: clinical testing. Allele origin: germline.
Comment: The p.I140T variant (also known as c.419T>C), located in coding exon 5 of the LZTR1 gene, results from a T to C substitution at nucleotide position 419. The isoleucine at codon 140 is replaced by threonine, an amino acid with similar properties. This amino acid position is highly conserved in available vertebrate species. In addition, the in silico prediction for this alteration is inconclusive. Since supporting evidence is limited at this time, the clinical significance of this alteration remains unclear.

NM_006767.4(LZTR1):c.419T>C (p.Ile140Thr)

Gene: LZTR1 (leucine zipper like post translational regulator 1; plus strand). Cytogenetic location: 22q11.21.
Variant type: single nucleotide variant.
Coding change: c.419T>C on transcript NM_006767.4 (MANE Select); coding-DNA position 419, T replaced by C.
Protein change: p.Ile140Thr; replaces isoleucine 140 with threonine.
Molecular consequence: missense variant.
Genome position (GRCh38, 1-based): chr22:20,988,028, T>C. VCF-style: chr22-20988028-T-C. GRCh37 (hg19) VCF-style: chr22-21342317-T-C.
Other names: short protein forms I140T.
Identifiers: ClinVar variation 3238282 (VCV003238282.3), dbSNP rs2518613217.